The following is an entry in ClinVar:

NM_012238.5(SIRT1):c.131T>A (p.Leu44His)

Genes: SIRT1 (sirtuin 1; plus strand), LOC107832851 (SIRT1 promoter region; plus strand). Cytogenetic location: 10q21.3.
Variant type: single nucleotide variant.
Coding change: c.131T>A on transcript NM_012238.5 (MANE Select); coding-DNA position 131, T replaced by A.
Protein change: p.Leu44His; replaces leucine 44 with histidine.
Molecular consequence: missense variant.
Genome position (GRCh38, 1-based): chr10:67,884,852, T>A. VCF-style: chr10-67884852-T-A. GRCh37 (hg19) VCF-style: chr10-69644610-T-A.
Other names: short protein forms L44H.
Identifiers: ClinVar variation 2376693 (VCV002376693.6), dbSNP rs1053224730, ClinGen allele CA208364133.

ClinVar aggregate classification (germline): Uncertain significance. Review status: criteria provided, multiple submitters, no conflicts (2 of 4 stars). 2 submissions from 2 submitters: Uncertain significance (2). Last evaluated 2025-03-31.

Allele frequency attached by ClinVar (database versions not stated): TOPMed 0.00016; gnomAD 0.00016; gnomAD exomes 0.00033.
gnomAD v4.1: 377 of 1,212,774 alleles (0.031%); highest among the groups gnomAD compares: Non-Finnish European, 0.037%; 1 homozygote.

Submissions (2):

Labcorp Genetics (formerly Invitae), Labcorp
Classification: Uncertain significance. Last evaluated: 2025-03-31. Review status: criteria provided, single submitter. Criteria: Invitae Variant Classification Sherloc (09022015). Collection method: clinical testing. Allele origin: germline.
Comment: This sequence change replaces leucine, which is neutral and non-polar, with histidine, which is basic and polar, at codon 44 of the SIRT1 protein (p.Leu44His). This variant is present in population databases (no rsID available, gnomAD 0.02%). This variant has not been reported in the literature in individuals affected with SIRT1-related conditions. ClinVar contains an entry for this variant (Variation ID: 2376693). An algorithm developed to predict the effect of missense changes on protein structure and function (PolyPhen-2) suggests that this variant is likely to be disruptive. In summary, the available evidence is currently insufficient to determine the role of this variant in disease. Therefore, it has been classified as a Variant of Uncertain Significance.

Ambry Genetics
Classification: Uncertain significance. Last evaluated: 2025-01-15. Review status: criteria provided, single submitter. Criteria: Ambry Variant Classification Scheme 2023. Collection method: clinical testing. Allele origin: germline.